The following is an entry in ClinVar:

ClinVar aggregate classification (germline): Uncertain significance (1 of 4 stars; one submission).

Conditions:
Dilated cardiomyopathy 1G (CMD1G). Identifiers: Orphanet 154, MedGen C1858763, MONDO:0011400, OMIM 604145.
Autosomal recessive limb-girdle muscular dystrophy type 2J (LGMDR10). Also called: Limb-girdle muscular dystrophy, type 2J; MUSCULAR DYSTROPHY, LIMB-GIRDLE, AUTOSOMAL RECESSIVE 10. Identifiers: Orphanet 140922, MedGen C1837342, MONDO:0012127, OMIM 608807.

Allele frequency attached by ClinVar (database versions not stated): gnomAD exomes below 0.00001.
gnomAD v4.1: 1 of 1,611,408 alleles (0.000062%); no homozygotes.

Submission:

Labcorp Genetics (formerly Invitae), Labcorp
Classification: Uncertain significance for Dilated cardiomyopathy 1G; Autosomal recessive limb-girdle muscular dystrophy type 2J. Last evaluated: 2024-04-03. Review status: criteria provided, single submitter. Criteria: Invitae Variant Classification Sherloc (09022015). Collection method: clinical testing. Allele origin: germline.
Comment: This sequence change replaces alanine, which is neutral and non-polar, with valine, which is neutral and non-polar, at codon 33607 of the TTN protein (p.Ala33607Val). This variant is not present in population databases (gnomAD no frequency). This variant has not been reported in the literature in individuals affected with TTN-related conditions. Experimental studies and prediction algorithms are not available or were not evaluated, and the functional significance of this variant is currently unknown. This variant is located in the M band of TTN (PMID: 25589632). Non-truncating variants in this region may be relevant for neuromuscular disorders, but have not been definitively shown to cause cardiomyopathy (PMID: 23975875). In summary, the available evidence is currently insufficient to determine the role of this variant in disease. Therefore, it has been classified as a Variant of Uncertain Significance.

Literature cited by the submitters: PubMed 25589632; PubMed 23975875.

NM_001267550.2(TTN):c.100820C>T (p.Ala33607Val)

Genes: TTN (titin; minus strand), TTN-AS1 (TTN antisense RNA 1; plus strand). Cytogenetic location: 2q31.2.
Variant type: single nucleotide variant.
Coding change: c.100820C>T on transcript NM_001267550.2 (MANE Select); coding-DNA position 100820, C replaced by T.
Protein change: p.Ala33607Val; replaces alanine 33607 with valine.
Molecular consequence: missense variant. On other transcripts: non-coding transcript variant (1).
Genome position (GRCh38, 1-based): chr2:178,535,795, G>A on the plus strand (C>T on the coding strand, the complement: TTN is on the minus strand). VCF-style: chr2-178535795-G-A. GRCh37 (hg19) VCF-style: chr2-179400522-G-A.
Other names: c.95897C>T, p.Ala31966Val (NM_001256850.1); c.73625C>T, p.Ala24542Val (NM_003319.4); c.93116C>T, p.Ala31039Val (NM_133378.4); c.74000C>T, p.Ala24667Val (NM_133432.3); c.74201C>T, p.Ala24734Val (NM_133437.4); short protein forms A24542V, A24667V, A24734V, A31966V, A31039V, A33607V.
Identifiers: ClinVar variation 2935259 (VCV002935259.3), dbSNP rs2468587969, ClinGen allele CA349422848.